The following is an entry in ClinVar:

NM_201384.3(PLEC):c.2164G>A (p.Ala722Thr)

Gene: PLEC (plectin; minus strand). Cytogenetic location: 8q24.3.
Variant type: single nucleotide variant.
Coding change: c.2164G>A on transcript NM_201384.3 (MANE Select); coding-DNA position 2164, G replaced by A.
Protein change: p.Ala722Thr; replaces alanine 722 with threonine.
Molecular consequence: missense variant.
Genome position (GRCh38, 1-based): chr8:143,931,951, C>T on the plus strand (G>A on the coding strand, the complement: PLEC is on the minus strand). VCF-style: chr8-143931951-C-T. GRCh37 (hg19) VCF-style: chr8-145006119-C-T.
Other names: c.2245G>A, p.Ala749Thr (NM_000445.5, NM_001410941.1); c.2122G>A, p.Ala708Thr (NM_201378.4); c.2098G>A, p.Ala700Thr (NM_201379.3); c.2575G>A, p.Ala859Thr (NM_201380.4); c.2068G>A, p.Ala690Thr (NM_201381.3); c.2164G>A, p.Ala722Thr (NM_201382.4); c.2176G>A, p.Ala726Thr (NM_201383.3); short protein forms A700T, A708T, A749T, A690T, A859T, A726T, A722T.
Identifiers: ClinVar variation 2199493 (VCV002199493.4), dbSNP rs372281911, ClinGen allele CA4927636.

ClinVar aggregate classification (germline): Uncertain significance (1 of 4 stars; one submission).

Conditions:
Epidermolysis bullosa simplex 5B, with muscular dystrophy (EBS5B). Also called: EPIDERMOLYSIS BULLOSA SIMPLEX AND LIMB-GIRDLE MUSCULAR DYSTROPHY; Epidermolysis bullosa simplex with muscular dystrophy. Identifiers: Orphanet 257, MedGen C2931072, MONDO:0009181, OMIM 226670.
Epidermolysis bullosa simplex 5C, with pyloric atresia (EBS5C). Also called: PLEC-Related Epidermolysis Bullosa with Pyloric Atresia; Epidermolysis bullosa simplex with pyloric atresia; PLEC1-Related Epidermolysis Bullosa with Pyloric Atresia. Identifiers: Orphanet 158684, MedGen C2677349, MONDO:0012807, OMIM 612138.
Autosomal recessive limb-girdle muscular dystrophy type 2Q (LGMDR17). Also called: MUSCULAR DYSTROPHY, LIMB-GIRDLE, AUTOSOMAL RECESSIVE 17. Identifiers: Orphanet 254361, MedGen C3150989, MONDO:0013390, OMIM 613723.
Epidermolysis bullosa simplex with nail dystrophy (EBS5D). Identifiers: MedGen C4225309, MONDO:0014661, OMIM 616487.
Epidermolysis bullosa simplex, Ogna type (EBS5A). Also called: Pidermolysis bullosa simplex 5A, Ogna type; EPIDERMOLYSIS BULLOSA SIMPLEX 5A, OGNA TYPE. Identifiers: Orphanet 79401, MedGen C0432317, MONDO:0007555, OMIM 131950.

Allele frequency attached by ClinVar (database versions not stated): ExAC 0.00001; gnomAD exomes 0.00001; gnomAD 0.00002; TOPMed 0.00003; ESP Exome Variant Server 0.00008.
gnomAD v4.1: 18 of 1,606,412 alleles (0.0011%); highest among the groups gnomAD compares: East Asian, 0.0045%; no homozygotes.

Submission:

Labcorp Genetics (formerly Invitae), Labcorp
Classification: Uncertain significance for Autosomal recessive limb-girdle muscular dystrophy type 2Q; Epidermolysis bullosa simplex, Ogna type; Epidermolysis bullosa simplex with nail dystrophy; Epidermolysis bullosa simplex 5C, with pyloric atresia; Epidermolysis bullosa simplex 5B, with muscular dystrophy. Last evaluated: 2022-02-28. Review status: criteria provided, single submitter. Criteria: Invitae Variant Classification Sherloc (09022015). Collection method: clinical testing. Allele origin: germline.
Comment: This variant is present in population databases (rs372281911, gnomAD 0.003%). This sequence change replaces alanine, which is neutral and non-polar, with threonine, which is neutral and polar, at codon 749 of the PLEC protein (p.Ala749Thr). This variant has not been reported in the literature in individuals affected with PLEC-related conditions. In summary, the available evidence is currently insufficient to determine the role of this variant in disease. Therefore, it has been classified as a Variant of Uncertain Significance. Algorithms developed to predict the effect of missense changes on protein structure and function output the following: SIFT: "Tolerated"; PolyPhen-2: "Not Available"; Align-GVGD: "Class C0". The threonine amino acid residue is found in multiple mammalian species, which suggests that this missense change does not adversely affect protein function.